The following is an entry in ClinVar:

NM_032119.4(ADGRV1):c.8099dup (p.Asn2700fs)

Gene: ADGRV1 (adhesion G protein-coupled receptor V1; plus strand). Cytogenetic location: 5q14.3.
Variant type: Duplication.
Coding change: c.8099dup on transcript NM_032119.4 (MANE Select); coding-DNA position 8099, one base duplicated (A; older notation c.8099dupA).
Protein change: p.Asn2700fs; shifts the reading frame from asparagine 2700.
Molecular consequence: frameshift variant. On other transcripts: non-coding transcript variant (1).
Genome position (GRCh38, 1-based): chr5:90,697,090, A duplicated; the last of 2 consecutive A bases (chr5:90,697,089-90,697,090); duplicating either gives the same sequence. VCF-style (leftmost placement, unchanged base first): chr5-90697088-C-CA. GRCh37 (hg19) VCF-style: chr5-89992905-C-CA.
Other names: short protein forms N2700fs.
Identifiers: ClinVar variation 3644484 (VCV003644484.2).
Genomic context (GRCh38, chr5:90,697,088, plus strand): 5'-AGGTGGAAGTAGAATTTTGCCAAGCTCCGACACTGTTAGAGTGAACATTTTGGCCAATGA[C>CA]AATGTGGCAGGAATTGTTAGCTTTCAGACAGCTTCCAGATCTGTCATAGGTCATGAAGGT-3'

ClinVar aggregate classification (germline): Pathogenic (1 of 4 stars; one submission).

Submission:

Labcorp Genetics (formerly Invitae), Labcorp
Classification: Pathogenic. Last evaluated: 2025-06-03. Review status: criteria provided, single submitter. Criteria: Invitae Variant Classification Sherloc (09022015). Collection method: clinical testing. Allele origin: germline.
Comment: This sequence change creates a premature translational stop signal (p.Asn2700Lysfs*7) in the ADGRV1 gene. It is expected to result in an absent or disrupted protein product. Loss-of-function variants in ADGRV1 are known to be pathogenic (PMID: 19357117, 22135276, 22147658, 26226137, 30718709, 31047384, 32467589). This variant is not present in population databases (gnomAD no frequency). This variant has not been reported in the literature in individuals affected with ADGRV1-related conditions. ClinVar contains an entry for this variant (Variation ID: 3644484). For these reasons, this variant has been classified as Pathogenic.

Literature cited by the submitters: PubMed 19357117; PubMed 22135276; PubMed 22147658; PubMed 26226137; PubMed 30718709; PubMed 31047384; PubMed 32467589.